The following is an entry in ClinVar:

ClinVar aggregate classification (germline): Uncertain significance (1 of 4 stars; one submission).

Conditions:
Hereditary cancer-predisposing syndrome. Also called: Hereditary Cancer Syndrome; Hereditary neoplastic syndrome; Neoplastic Syndromes, Hereditary; Tumor predisposition. Identifiers: Orphanet 140162, MedGen C0027672, MeSH D009386, MONDO:0015356.

Submission:

Ambry Genetics
Classification: Uncertain significance for Hereditary cancer-predisposing syndrome. Last evaluated: 2025-07-25. Review status: criteria provided, single submitter. Criteria: Ambry Variant Classification Scheme 2023. Collection method: clinical testing. Allele origin: germline.
Comment: The p.D128G variant (also known as c.383A>G), located in coding exon 3 of the EPCAM gene, results from an A to G substitution at nucleotide position 383. The aspartic acid at codon 128 is replaced by glycine, an amino acid with similar properties. This amino acid position is conserved. In addition, this alteration is predicted to be tolerated by in silico analysis. Based on the available evidence, the clinical significance of this variant remains unclear.

NM_002354.3(EPCAM):c.383A>G (p.Asp128Gly)

Gene: EPCAM (epithelial cell adhesion molecule; plus strand). Cytogenetic location: 2p21.
Variant type: single nucleotide variant.
Coding change: c.383A>G on transcript NM_002354.3 (MANE Select); coding-DNA position 383, A replaced by G.
Protein change: p.Asp128Gly; replaces aspartic acid 128 with glycine.
Molecular consequence: missense variant.
Genome position (GRCh38, 1-based): chr2:47,374,006, A>G. VCF-style: chr2-47374006-A-G. GRCh37 (hg19) VCF-style: chr2-47601145-A-G.
Other names: short protein forms D128G.
Identifiers: ClinVar variation 4249672 (VCV004249672.1).